The following is an entry in ClinVar:

ClinVar aggregate classification (germline): Uncertain significance (1 of 4 stars; one submission).

Conditions:
Larsen syndrome (LRS). Also called: Larsen syndrome (FLNB-LS); Bilateral dislocation of the knees, pes cavus, cylindrically shaped fingers and characteristic facies. Identifiers: Orphanet 503, MedGen C0175778, MONDO:0007875, OMIM 150250. Disease mechanism: loss of function.

Submission:

MVZ Medizinische Genetik Mainz
Classification: Uncertain significance for Larsen syndrome. Last evaluated: 2026-03-10. Review status: criteria provided, single submitter. Criteria: UK Practice Guidelines For Variant Classification V4 01 2020. Collection method: clinical testing. Allele origin: germline. Inheritance: Autosomal dominant inheritance. Affected: yes. Observed: 1 variant allele.
Comment: ACMG Criteria: PP3_MOD,PM2_SUP,PP4

NM_001457.4(FLNB):c.2557C>A (p.Pro853Thr)

Genes: FLNB (filamin B; plus strand), LOC129936935 (ATAC-STARR-seq lymphoblastoid active region 19999; plus strand). Cytogenetic location: 3p14.3.
Variant type: single nucleotide variant.
Coding change: c.2557C>A on transcript NM_001457.4 (MANE Select); coding-DNA position 2557, C replaced by A.
Protein change: p.Pro853Thr; replaces proline 853 with threonine.
Molecular consequence: missense variant.
Genome position (GRCh38, 1-based): chr3:58,111,863, C>A. VCF-style: chr3-58111863-C-A. GRCh37 (hg19) VCF-style: chr3-58097590-C-A.
Other names: c.2557C>A, p.Pro853Thr (NM_001164317.2, NM_001164318.2, NM_001164319.2); short protein forms P853T.
Identifiers: ClinVar variation 4818890 (VCV004818890.1).